The following is an entry in ClinVar:

NM_016333.4(SRRM2):c.2369C>T (p.Ser790Leu)

Gene: SRRM2 (serine/arginine repetitive matrix 2; plus strand). Cytogenetic location: 16p13.3.
Variant type: single nucleotide variant.
Coding change: c.2369C>T on transcript NM_016333.4 (MANE Select); coding-DNA position 2369, C replaced by T.
Protein change: p.Ser790Leu; replaces serine 790 with leucine.
Molecular consequence: missense variant.
Genome position (GRCh38, 1-based): chr16:2,762,897, C>T. VCF-style: chr16-2762897-C-T. GRCh37 (hg19) VCF-style: chr16-2812898-C-T.
Other names: short protein forms S790L.
Identifiers: ClinVar variation 4527219 (VCV004527219.1).

ClinVar aggregate classification (germline): Uncertain significance (1 of 4 stars; one submission).

Submission:

GeneDx
Classification: Uncertain significance. Last evaluated: 2025-04-29. Review status: criteria provided, single submitter. Criteria: GeneDx Variant Classification Process June 2021. Collection method: clinical testing. Allele origin: germline. Affected: yes.
Comment: Not observed at significant frequency in large population cohorts (gnomAD); In silico analysis supports that this missense variant has a deleterious effect on protein structure/function; Has not been previously published as pathogenic or benign to our knowledge